The following is an entry in ClinVar:

ClinVar aggregate classification (germline): Benign (1 of 4 stars; one submission).

Allele frequency attached by ClinVar (database versions not stated): 1000 Genomes Project 30x 0.56465; 1000 Genomes Project 0.57328; TOPMed 0.61986; gnomAD 0.64521 and 0.65325.
gnomAD v4.1: 92,881 of 141,876 alleles (65%); highest among the groups gnomAD compares: Non-Finnish European, 81%; 33,331 homozygotes.

Submission:

GeneDx
Classification: Benign. Last evaluated: 2018-06-14. Review status: criteria provided, single submitter. Criteria: GeneDx Variant Classification (06012015). Collection method: clinical testing. Allele origin: germline. Affected: yes.
Comment: This variant is considered likely benign or benign based on one or more of the following criteria: it is a conservative change, it occurs at a poorly conserved position in the protein, it is predicted to be benign by multiple in silico algorithms, and/or has population frequency not consistent with disease.

NM_024678.6(NARS2):c.594+281T>C

Gene: NARS2 (asparaginyl-tRNA synthetase 2, mitochondrial; minus strand). Cytogenetic location: 11q14.1.
Variant type: single nucleotide variant.
Coding change: c.594+281T>C on transcript NM_024678.6 (MANE Select); 281 bases into the intron after coding-DNA position 594, T replaced by C.
Molecular consequence: intron variant.
Genome position (GRCh38, 1-based): chr11:78,559,258, A>G on the plus strand (T>C on the coding strand, the complement: NARS2 is on the minus strand). VCF-style: chr11-78559258-A-G. GRCh37 (hg19) VCF-style: chr11-78270304-A-G.
Other names: c.-88+281T>C (NM_001243251.2).
Identifiers: ClinVar variation 682658 (VCV000682658.1), dbSNP rs7952030, ClinGen allele CA16422420.
Genomic context (GRCh38, chr11:78,559,258, plus strand): 5'-GAGGCCGAGGCAGGAGAATCGCTTGAACCCTAGAGGCGGAGGTTGCAGTGAGTCGAGATC[A>G]CACCACTGCACTCCAGCCTGGCCACAGAGTGAGACTCCATCTCAAAAAAAAAAAAAAAAA-3'